The following is an entry in ClinVar:

ClinVar aggregate classification (germline): Uncertain significance (1 of 4 stars; one submission).

Allele frequency attached by ClinVar (database versions not stated): gnomAD exomes below 0.00001.
gnomAD v4.1: 3 of 1,605,974 alleles (0.00019%); highest among the groups gnomAD compares: Middle Eastern, 0.034%; no homozygotes.

Submission:

GeneDx
Classification: Uncertain significance. Last evaluated: 2022-09-29. Review status: criteria provided, single submitter. Criteria: GeneDx Variant Classification Process June 2021. Collection method: clinical testing. Allele origin: germline. Affected: yes.
Comment: Has not been previously published as pathogenic or benign to our knowledge; Not observed at significant frequency in large population cohorts (gnomAD); In silico analysis supports that this missense variant does not alter protein structure/function

NM_176787.5(PIGN):c.1049A>G (p.Asn350Ser)

Gene: PIGN (phosphatidylinositol glycan anchor biosynthesis class N; minus strand). Cytogenetic location: 18q21.33.
Variant type: single nucleotide variant.
Coding change: c.1049A>G on transcript NM_176787.5 (MANE Select); coding-DNA position 1049, A replaced by G.
Protein change: p.Asn350Ser; replaces asparagine 350 with serine.
Molecular consequence: missense variant.
Genome position (GRCh38, 1-based): chr18:62,139,050, T>C on the plus strand (A>G on the coding strand, the complement: PIGN is on the minus strand). VCF-style: chr18-62139050-T-C. GRCh37 (hg19) VCF-style: chr18-59806283-T-C.
Other names: c.1049A>G, p.Asn350Ser (NM_012327.6); short protein forms N350S.
Identifiers: ClinVar variation 2497908 (VCV002497908.1), dbSNP rs2513729548, ClinGen allele CA402607846.